The following is an entry in ClinVar:

NM_004517.4(ILK):c.364A>T (p.Asn122Tyr)

Genes: TAF10 (TATA-box binding protein associated factor 10; minus strand), ILK (integrin linked kinase; plus strand). Cytogenetic location: 11p15.4.
Variant type: single nucleotide variant.
Coding change: c.364A>T on transcript NM_004517.4 (MANE Select); coding-DNA position 364, A replaced by T.
Protein change: p.Asn122Tyr; replaces asparagine 122 with tyrosine.
Molecular consequence: missense variant. On other transcripts: 5 prime UTR variant (1), 3 prime UTR variant (1), intron variant (1).
Genome position (GRCh38, 1-based): chr11:6,608,706, A>T. VCF-style: chr11-6608706-A-T. GRCh37 (hg19) VCF-style: chr11-6629936-A-T.
Other names: c.364A>T, p.Asn122Tyr (NM_001014794.3, NM_001014795.3); c.-39A>T (NM_001278442.2); c.*2216T>A (NM_006284.4); c.352-178A>T (NM_001278441.2); short protein forms N122Y.
Identifiers: ClinVar variation 1733583 (VCV001733583.8), dbSNP rs1368347084, ClinGen allele CA379457846.

ClinVar aggregate classification (germline): Uncertain significance. Review status: criteria provided, multiple submitters, no conflicts (2 of 4 stars). 2 submissions from 2 submitters: Uncertain significance (2). Last evaluated 2025-07-12.

Conditions:
Primary familial hypertrophic cardiomyopathy (HCM). Identifiers: Orphanet 99739, MedGen C0949658, MeSH D024741, MONDO:0024573. Inheritance: Various modes of inheritance.

Allele frequency attached by ClinVar (database versions not stated): gnomAD 0.00001.
gnomAD v4.1: 5 of 1,613,900 alleles (0.00031%); highest among the groups gnomAD compares: Non-Finnish European, 0.00042%; no homozygotes.

Submissions (2):

Ambry Genetics
Classification: Uncertain significance. Last evaluated: 2025-07-12. Review status: criteria provided, single submitter. Criteria: Ambry Variant Classification Scheme 2023. Collection method: clinical testing. Allele origin: germline.
Comment: The p.N122Y variant (also known as c.364A>T), located in coding exon 4 of the ILK gene, results from an A to T substitution at nucleotide position 364. The asparagine at codon 122 is replaced by tyrosine, an amino acid with dissimilar properties. This amino acid position is conserved. In addition, this alteration is predicted to be tolerated by in silico analysis. Since supporting evidence is limited at this time, the clinical significance of this alteration remains unclear.

Labcorp Genetics (formerly Invitae), Labcorp
Classification: Uncertain significance for Primary familial hypertrophic cardiomyopathy. Last evaluated: 2024-09-01. Review status: criteria provided, single submitter. Criteria: Invitae Variant Classification Sherloc (09022015). Collection method: clinical testing. Allele origin: germline.
Comment: This sequence change replaces asparagine, which is neutral and polar, with tyrosine, which is neutral and polar, at codon 122 of the ILK protein (p.Asn122Tyr). This variant is present in population databases (no rsID available, gnomAD 0.0009%). This variant has not been reported in the literature in individuals affected with ILK-related conditions. ClinVar contains an entry for this variant (Variation ID: 1733583). An algorithm developed to predict the effect of missense changes on protein structure and function (PolyPhen-2) suggests that this variant is likely to be disruptive. In summary, the available evidence is currently insufficient to determine the role of this variant in disease. Therefore, it has been classified as a Variant of Uncertain Significance.